The following is an entry in ClinVar:

ClinVar aggregate classification (germline): Conflicting classifications of pathogenicity. Review status: criteria provided, conflicting classifications (1 of 4 stars). 2 submissions from 2 submitters: Pathogenic (1); Uncertain significance (1). Last evaluated 2025-09-24.

Conditions:
Inborn genetic diseases. Identifiers: MedGen C0950123, MeSH D030342.

Submissions (2):

Ambry Genetics
Classification: Uncertain significance for Inborn genetic diseases. Last evaluated: 2025-09-24. Review status: criteria provided, single submitter. Criteria: Ambry Variant Classification Scheme 2023. Collection method: clinical testing. Allele origin: germline.
Comment: The c.3180_3181dupCC (p.Q1061Pfs*21) alteration, located in exon 5 (coding exon 3) of the ADNP gene, consists of a duplication of CC at position 3180, causing a translational frameshift with a predicted alternate stop codon after 21 amino acids. This variant is not expected to trigger nonsense-mediated mRNA decay, and impacts the last 3.8% of the protein. The exact functional effect of this alteration is unknown. This variant was not reported in population-based cohorts in the Genome Aggregation Database (gnomAD). Based on insufficient or conflicting evidence, the clinical significance of this alteration remains unclear.

Labcorp Genetics (formerly Invitae), Labcorp
Classification: Pathogenic. Last evaluated: 2024-08-24. Review status: criteria provided, single submitter. Criteria: Invitae Variant Classification Sherloc (09022015). Collection method: clinical testing. Allele origin: germline.
Comment: This sequence change creates a premature translational stop signal (p.Gln1061Profs*21) in the ADNP gene. While this is not anticipated to result in nonsense mediated decay, it is expected to disrupt the last 42 amino acid(s) of the ADNP protein. This variant is not present in population databases (gnomAD no frequency). This variant has not been reported in the literature in individuals affected with ADNP-related conditions. This variant disrupts a region of the ADNP protein in which other variant(s) (p.Met1088Serfs*5) have been determined to be pathogenic (PMID: 28135719; external communication). This suggests that this is a clinically significant region of the protein, and that variants that disrupt it are likely to be disease-causing. For these reasons, this variant has been classified as Pathogenic.

Literature cited by the submitters: PubMed 28135719 (cited by Labcorp Genetics (formerly Invitae), Labcorp).

NM_001282531.3(ADNP):c.3180_3181dup (p.Gln1061fs)

Gene: ADNP (activity dependent neuroprotector homeobox; minus strand). Cytogenetic location: 20q13.13.
Variant type: Duplication.
Coding change: c.3180_3181dup on transcript NM_001282531.3 (MANE Select); coding-DNA positions 3180 to 3181, 2 bases duplicated (CC; older notation c.3180_3181dupCC).
Protein change: p.Gln1061fs; shifts the reading frame from glutamine 1061.
Molecular consequence: frameshift variant.
Genome position (GRCh38, 1-based): chr20:50,891,533-50,891,534, GG duplicated on the plus strand (CC on the coding strand, the reverse complement: ADNP is on the minus strand); duplicating any 2 consecutive bases within chr20:50,891,533-50,891,537 gives the same sequence; the c. name uses the placement nearest the transcript's 3' end. VCF-style (leftmost placement, unchanged base first): chr20-50891532-T-TGG. GRCh37 (hg19) VCF-style: chr20-49508069-T-TGG.
Other names: c.3180_3181dup, p.Gln1061fs (NM_001282532.2, NM_001347511.2, NM_015339.5 and 1 more transcripts); c.3180_3181dupCC (NM_015339.2); short protein forms Q1061fs.
Identifiers: ClinVar variation 3663350 (VCV003663350.3).